The following is an entry in ClinVar:

NM_001012614.2(CTBP1):c.1120G>A (p.Val374Met)

Genes: CTBP1 (C-terminal binding protein 1; minus strand), CTBP1-AS (CTBP1 antisense RNA; plus strand). Cytogenetic location: 4p16.3.
Variant type: single nucleotide variant.
Coding change: c.1120G>A on transcript NM_001012614.2 (MANE Select); coding-DNA position 1120, G replaced by A.
Protein change: p.Val374Met; replaces valine 374 with methionine.
Molecular consequence: missense variant. On other transcripts: non-coding transcript variant (1).
Genome position (GRCh38, 1-based): chr4:1,212,410, C>T on the plus strand (G>A on the coding strand, the complement: CTBP1 is on the minus strand). VCF-style: chr4-1212410-C-T. GRCh37 (hg19) VCF-style: chr4-1206198-C-T.
Other names: c.1153G>A, p.Val385Met (NM_001328.3); c.1156G>A, p.Val386Met (NM_001377186.1); c.1123G>A, p.Val375Met (NM_001377187.1, NM_001377188.1, NM_001377189.1 and 1 more transcripts); c.1120G>A, p.Val374Met (NM_001377191.1, NM_001377192.1, NM_001377193.1); short protein forms V386M, V374M, V375M, V385M.
Identifiers: ClinVar variation 1434331 (VCV001434331.7), dbSNP rs1009692881, ClinGen allele CA91157675.
Genomic context (GRCh38, chr4:1,212,410, plus strand): 5'-TGGCGCTGGGGACGATACCTTCCACAGCAGCTGGGATGCCAGTGGGGGCCACGCCCACCA[C>T]GCCCGGAGGGTACCTGCTGGGAGAGGGTCCATCCGTGAGGCCCACCTGTAGGCGGCCTGG-3'
Protein context (NP_001012632.1, residues 364-384): NGAAYRYPPG[Val374Met]VGVAPTGIPA

ClinVar aggregate classification (germline): Uncertain significance (1 of 4 stars; one submission).

Allele frequency attached by ClinVar (database versions not stated): TOPMed 0.00002; gnomAD 0.00003.
gnomAD v4.1: 13 of 1,464,120 alleles (0.00089%); highest among the groups gnomAD compares: African/African-American, 0.0015%; no homozygotes.

Submission:

Labcorp Genetics (formerly Invitae), Labcorp
Classification: Uncertain significance. Last evaluated: 2025-12-08. Review status: criteria provided, single submitter. Criteria: Invitae Variant Classification Sherloc (09022015). Collection method: clinical testing. Allele origin: germline.
Comment: This sequence change replaces valine, which is neutral and non-polar, with methionine, which is neutral and non-polar, at codon 385 of the CTBP1 protein (p.Val385Met). The frequency data for this variant in the population databases is considered unreliable, as metrics indicate poor data quality at this position in the gnomAD database. This variant has not been reported in the literature in individuals affected with CTBP1-related conditions. ClinVar contains an entry for this variant (Variation ID: 1434331). An algorithm developed to predict the effect of missense changes on protein structure and function (PolyPhen-2) suggests that this variant is likely to be tolerated. In summary, the available evidence is currently insufficient to determine the role of this variant in disease. Therefore, it has been classified as a Variant of Uncertain Significance.